The following is an entry in ClinVar:

NM_006389.5(HYOU1):c.2515G>T (p.Ala839Ser)

Gene: HYOU1 (hypoxia up-regulated 1; minus strand). Cytogenetic location: 11q23.3.
Variant type: single nucleotide variant.
Coding change: c.2515G>T on transcript NM_006389.5 (MANE Select); coding-DNA position 2515, G replaced by T.
Protein change: p.Ala839Ser; replaces alanine 839 with serine.
Molecular consequence: missense variant.
Genome position (GRCh38, 1-based): chr11:119,047,814, C>A on the plus strand (G>T on the coding strand, the complement: HYOU1 is on the minus strand). VCF-style: chr11-119047814-C-A. GRCh37 (hg19) VCF-style: chr11-118918526-C-A.
Other names: c.2515G>T, p.Ala839Ser (NM_001130991.3); short protein forms A839S.
Identifiers: ClinVar variation 1350012 (VCV001350012.8), dbSNP rs374558947, ClinGen allele CA382923525.

ClinVar aggregate classification (germline): Uncertain significance (1 of 4 stars; one submission).

gnomAD v4.1: 3 of 1,613,390 alleles (0.00019%); highest among the groups gnomAD compares: Non-Finnish European, 0.00025%; no homozygotes.

Submission:

Labcorp Genetics (formerly Invitae), Labcorp
Classification: Uncertain significance. Last evaluated: 2025-07-15. Review status: criteria provided, single submitter. Criteria: Invitae Variant Classification Sherloc (09022015). Collection method: clinical testing. Allele origin: germline.
Comment: This sequence change replaces alanine, which is neutral and non-polar, with serine, which is neutral and polar, at codon 839 of the HYOU1 protein (p.Ala839Ser). This variant is not present in population databases (gnomAD no frequency). This variant has not been reported in the literature in individuals affected with HYOU1-related conditions. ClinVar contains an entry for this variant (Variation ID: 1350012). An algorithm developed to predict the effect of missense changes on protein structure and function (PolyPhen-2) suggests that this variant is likely to be tolerated. In summary, the available evidence is currently insufficient to determine the role of this variant in disease. Therefore, it has been classified as a Variant of Uncertain Significance.